The following is an entry in ClinVar:

ClinVar aggregate classification (germline): Uncertain significance. Review status: criteria provided, multiple submitters, no conflicts (2 of 4 stars). 4 submissions from 4 submitters: Uncertain significance (3). 1 of the submissions does not count toward it. Last evaluated 2024-03-04.

Conditions:
Inborn genetic diseases. Identifiers: MedGen C0950123, MeSH D030342.
Usher syndrome type 1F (USH1F). Also called: USHER SYNDROME, TYPE IF. Identifiers: Orphanet 231169, Orphanet 886, MedGen C1865885, MONDO:0011186, OMIM 602083.

Allele frequency attached by ClinVar (database versions not stated): gnomAD exomes 0.00001; ExAC 0.00002; gnomAD 0.00008 and 0.00009; TOPMed 0.00008; ESP Exome Variant Server 0.00015; 1000 Genomes Project 30x 0.00016; 1000 Genomes Project 0.00020.
gnomAD v4.1: 30 of 1,609,834 alleles (0.0019%); highest among the groups gnomAD compares: African/African-American, 0.039%; no homozygotes.

Submissions (4):

Ambry Genetics
Classification: Uncertain significance for Inborn genetic diseases. Last evaluated: 2024-03-04. Review status: criteria provided, single submitter. Criteria: Ambry Variant Classification Scheme 2023. Collection method: clinical testing. Allele origin: germline.

GeneDx
Classification: Uncertain significance. Last evaluated: 2023-11-03. Review status: criteria provided, single submitter. Criteria: GeneDx Variant Classification Process June 2021. Collection method: clinical testing. Allele origin: germline. Affected: yes.
Comment: In silico analysis supports that this missense variant does not alter protein structure/function; Has not been previously published as pathogenic or benign to our knowledge

Labcorp Genetics (formerly Invitae), Labcorp
Classification: Uncertain significance. Last evaluated: 2022-10-13. Review status: criteria provided, single submitter. Criteria: Invitae Variant Classification Sherloc (09022015). Collection method: clinical testing. Allele origin: germline.
Comment: This sequence change replaces arginine, which is basic and polar, with lysine, which is basic and polar, at codon 964 of the PCDH15 protein (p.Arg964Lys). This variant is present in population databases (rs149605588, gnomAD 0.01%). This variant has not been reported in the literature in individuals affected with PCDH15-related conditions. ClinVar contains an entry for this variant (Variation ID: 835389). Advanced modeling of protein sequence and biophysical properties (such as structural, functional, and spatial information, amino acid conservation, physicochemical variation, residue mobility, and thermodynamic stability) performed at Invitae indicates that this missense variant is not expected to disrupt PCDH15 protein function. In summary, the available evidence is currently insufficient to determine the role of this variant in disease. Therefore, it has been classified as a Variant of Uncertain Significance.

Natera, Inc.
Classification: Uncertain significance for Usher syndrome type 1F. Last evaluated: 2020-02-21. Review status: no assertion criteria provided. Collection method: clinical testing. Allele origin: germline. Not counted in ClinVar's aggregate classification.

NM_001384140.1(PCDH15):c.2891G>A (p.Arg964Lys)

Gene: PCDH15 (protocadherin related 15; minus strand). Cytogenetic location: 10q21.1.
Variant type: single nucleotide variant.
Coding change: c.2891G>A on transcript NM_001384140.1 (MANE Select); coding-DNA position 2891, G replaced by A.
Protein change: p.Arg964Lys; replaces arginine 964 with lysine.
Molecular consequence: missense variant.
Genome position (GRCh38, 1-based): chr10:53,961,870, C>T on the plus strand (G>A on the coding strand, the complement: PCDH15 is on the minus strand). VCF-style: chr10-53961870-C-T. GRCh37 (hg19) VCF-style: chr10-55721630-C-T.
Other names: c.2906G>A, p.Arg969Lys (NM_001142763.2, NM_001142771.2); c.2891G>A, p.Arg964Lys (NM_001142764.2, NM_001142766.2, NM_001142770.3 and 4 more transcripts); c.2678G>A, p.Arg893Lys (NM_001142765.2); c.2780G>A, p.Arg927Lys (NM_001142767.2); c.2825G>A, p.Arg942Lys (NM_001142768.2, NM_001142773.2, NM_001354404.2); c.2927G>A, p.Arg976Lys (NM_001142769.4); c.2912G>A, p.Arg971Lys (NM_001354411.2); short protein forms R971K, R927K, R942K, R964K, R976K, R969K, R893K.
Identifiers: ClinVar variation 835389 (VCV000835389.7), dbSNP rs149605588, ClinGen allele CA5505883.